The following is an entry in ClinVar:

ClinVar aggregate classification (germline): Uncertain significance (1 of 4 stars; one submission).

Allele frequency attached by ClinVar (database versions not stated): gnomAD exomes 0.00001.
gnomAD v4.1: 3 of 1,599,348 alleles (0.00019%); highest among the groups gnomAD compares: Non-Finnish European, 0.00025%; no homozygotes.

Submission:

Labcorp Genetics (formerly Invitae), Labcorp
Classification: Uncertain significance. Last evaluated: 2022-07-27. Review status: criteria provided, single submitter. Criteria: Invitae Variant Classification Sherloc (09022015). Collection method: clinical testing. Allele origin: germline.
Comment: This variant has not been reported in the literature in individuals affected with ADAMTSL4-related conditions. In summary, the available evidence is currently insufficient to determine the role of this variant in disease. Therefore, it has been classified as a Variant of Uncertain Significance. Algorithms developed to predict the effect of missense changes on protein structure and function (SIFT, PolyPhen-2, Align-GVGD) all suggest that this variant is likely to be tolerated. This variant is not present in population databases (gnomAD no frequency). This sequence change replaces serine, which is neutral and polar, with asparagine, which is neutral and polar, at codon 375 of the ADAMTSL4 protein (p.Ser375Asn).

NM_019032.6(ADAMTSL4):c.1124G>A (p.Ser375Asn)

Genes: ADAMTSL4 (ADAMTS like 4; plus strand), ADAMTSL4-AS2 (ADAMTSL4 antisense RNA 2; minus strand). Cytogenetic location: 1q21.2.
Variant type: single nucleotide variant.
Coding change: c.1124G>A on transcript NM_019032.6 (MANE Select); coding-DNA position 1124, G replaced by A.
Protein change: p.Ser375Asn; replaces serine 375 with asparagine.
Molecular consequence: missense variant.
Genome position (GRCh38, 1-based): chr1:150,554,115, G>A. VCF-style: chr1-150554115-G-A. GRCh37 (hg19) VCF-style: chr1-150526591-G-A.
Other names: c.1124G>A, p.Ser375Asn (NM_025008.5, NM_001288607.2, NM_001288608.2 and 1 more transcripts); short protein forms S375N.
Identifiers: ClinVar variation 1713917 (VCV001713917.6), dbSNP rs2526622043, ClinGen allele CA342304026.